The following is an entry in ClinVar:

ClinVar aggregate classification (germline): Uncertain significance (1 of 4 stars; one submission).

Submission:

Labcorp Genetics (formerly Invitae), Labcorp
Classification: Uncertain significance. Last evaluated: 2024-05-06. Review status: criteria provided, single submitter. Criteria: Invitae Variant Classification Sherloc (09022015). Collection method: clinical testing. Allele origin: germline.
Comment: This sequence change replaces serine, which is neutral and polar, with cysteine, which is neutral and slightly polar, at codon 755 of the ARID1B protein (p.Ser755Cys). This variant is not present in population databases (gnomAD no frequency). This variant has not been reported in the literature in individuals affected with ARID1B-related conditions. Advanced modeling of protein sequence and biophysical properties (such as structural, functional, and spatial information, amino acid conservation, physicochemical variation, residue mobility, and thermodynamic stability) has been performed at Invitae for this missense variant, however the output from this modeling did not meet the statistical confidence thresholds required to predict the impact of this variant on ARID1B protein function. In summary, the available evidence is currently insufficient to determine the role of this variant in disease. Therefore, it has been classified as a Variant of Uncertain Significance.

NM_001374828.1(ARID1B):c.2474C>G (p.Ser825Cys)

Gene: ARID1B (AT-rich interaction domain 1B; plus strand). Cytogenetic location: 6q25.3.
Variant type: single nucleotide variant.
Coding change: c.2474C>G on transcript NM_001374828.1 (MANE Select); coding-DNA position 2474, C replaced by G.
Protein change: p.Ser825Cys; replaces serine 825 with cysteine.
Molecular consequence: missense variant. On other transcripts: 5 prime UTR variant (1).
Genome position (GRCh38, 1-based): chr6:157,084,888, C>G. VCF-style: chr6-157084888-C-G. GRCh37 (hg19) VCF-style: chr6-157406022-C-G.
Other names: c.2225C>G, p.Ser742Cys (NM_001346813.1); c.-26C>G (NM_001363725.2); c.2513C>G, p.Ser838Cys (NM_001371656.1, NM_001374820.1); c.2474C>G, p.Ser825Cys (NM_017519.3); c.2264C>G, p.Ser755Cys (NM_020732.3); c.2051C>G, p.Ser684Cys (NM_175863.2); short protein forms S684C, S742C, S825C, S838C, S755C.
Identifiers: ClinVar variation 2696280 (VCV002696280.3), dbSNP rs2128463402, ClinGen allele CA366387464.
Genomic context (GRCh38, chr6:157,084,888, plus strand): 5'-CATCTCCCTCTCCTGTTGGCTCTCCTGTAGGAAGCAACCAGTCTCGATCTGGCCCAATCT[C>G]TCCTGCAAGTATCCCAGGTATTTACTTTCCTGACAATTATTATTTTACTTTGTGATAAAG-3'
Protein context (NP_001361757.1, residues 815-835): GSNQSRSGPI[Ser825Cys]PASIPGSQMP